The following is an entry in ClinVar:

NM_001126108.2(SLC12A3):c.605G>A (p.Gly202Asp)

Gene: SLC12A3 (solute carrier family 12 member 3; plus strand). Cytogenetic location: 16q13.
Variant type: single nucleotide variant.
Coding change: c.605G>A on transcript NM_001126108.2 (MANE Select); coding-DNA position 605, G replaced by A.
Protein change: p.Gly202Asp; replaces glycine 202 with aspartic acid.
Molecular consequence: missense variant.
Genome position (GRCh38, 1-based): chr16:56,870,099, G>A. VCF-style: chr16-56870099-G-A. GRCh37 (hg19) VCF-style: chr16-56904011-G-A.
Other names: NP_000330.3:p.(Gly202Asp); c.605G>A, p.Gly202Asp (NM_000339.3); c.602G>A, p.Gly201Asp (NM_001126107.2, NM_001410896.1); short protein forms G201D, G202D.
Identifiers: ClinVar variation 4813302 (VCV004813302.1).

ClinVar aggregate classification (germline): Likely pathogenic (1 of 4 stars; one submission).

Conditions:
Familial hypokalemia-hypomagnesemia (GTLMNS). Also called: POTASSIUM AND MAGNESIUM DEPLETION; HYPOMAGNESEMIA-HYPOKALEMIA, PRIMARY RENOTUBULAR, WITH HYPOCALCIURIA; gitelman syndrome. Identifiers: Orphanet 358, MedGen C0268450, MONDO:0009904, OMIM 263800.

Submission:

Clinical Genetics Unit, University of Padua
Classification: Likely pathogenic for Familial hypokalemia-hypomagnesemia. Last evaluated: 2025-01-01. Review status: criteria provided, single submitter. Criteria: ACMG Guidelines, 2015. Collection method: clinical testing. Allele origin: germline. Affected: yes. Observed: 1 variant allele.
Comment: This variant affects the tightly packed TM2 and TM3 helices of NCC and its thiazide-binding site (PM1); it is present in gnomAD with a European MAF of 1:236,000 (PM2); it was reported in trans with NM_000339.3:c.2883+1 G>T, a pathogenic variant (PM3); it is a missense variant, which is the most common loss-of-function mechanism in SLC12A3 (PP2); ortholog alignment (M. musculus, B. taurus, O. anatinus, G. gallus, D. rerio, S. purpuratus, and C. elegans) and interpretation software (Franklin) predicted a deleterious effect (PP3).